The following is an entry in ClinVar:

ClinVar aggregate classification (germline): Uncertain significance (1 of 4 stars; one submission).

Conditions:
Cardiovascular phenotype. Identifiers: MedGen CN230736.

Submission:

Ambry Genetics
Classification: Uncertain significance for Cardiovascular phenotype. Last evaluated: 2023-11-01. Review status: criteria provided, single submitter. Criteria: Ambry Variant Classification Scheme 2023. Collection method: clinical testing. Allele origin: germline.
Comment: The p.S612P variant (also known as c.1834T>C), located in coding exon 12 of the FLNC gene, results from a T to C substitution at nucleotide position 1834. The serine at codon 612 is replaced by proline, an amino acid with similar properties. This amino acid position is conserved. In addition, this alteration is predicted to be deleterious by in silico analysis. Since supporting evidence is limited at this time, the clinical significance of this alteration remains unclear.

NM_001458.5(FLNC):c.1834T>C (p.Ser612Pro)

Gene: FLNC (filamin C; plus strand). Cytogenetic location: 7q32.1.
Variant type: single nucleotide variant.
Coding change: c.1834T>C on transcript NM_001458.5 (MANE Select); coding-DNA position 1834, T replaced by C.
Protein change: p.Ser612Pro; replaces serine 612 with proline.
Molecular consequence: missense variant.
Genome position (GRCh38, 1-based): chr7:128,841,190, T>C. VCF-style: chr7-128841190-T-C. GRCh37 (hg19) VCF-style: chr7-128481244-T-C.
Other names: c.1834T>C, p.Ser612Pro (NM_001127487.2); short protein forms S612P.
Identifiers: ClinVar variation 3221705 (VCV003221705.1), dbSNP rs2536628135, ClinGen allele CA369227172.